The following is an entry in ClinVar:

NM_015046.7(SETX):c.5842A>G (p.Met1948Val)

Gene: SETX (senataxin; minus strand). Cytogenetic location: 9q34.13.
Variant type: single nucleotide variant.
Coding change: c.5842A>G on transcript NM_015046.7 (MANE Select); coding-DNA position 5842, A replaced by G.
Protein change: p.Met1948Val; replaces methionine 1948 with valine.
Molecular consequence: missense variant.
Genome position (GRCh38, 1-based): chr9:132,296,994, T>C on the plus strand (A>G on the coding strand, the complement: SETX is on the minus strand). VCF-style: chr9-132296994-T-C. GRCh37 (hg19) VCF-style: chr9-135172381-T-C.
Other names: c.5842A>G, p.Met1948Val (NM_001351527.2, NM_001351528.2); short protein forms M1948V.
Identifiers: ClinVar variation 916295 (VCV000916295.47), dbSNP rs762267386, ClinGen allele CA5296887.

ClinVar aggregate classification (germline): Conflicting classifications of pathogenicity. Review status: criteria provided, conflicting classifications (1 of 4 stars). 4 submissions from 4 submitters: Uncertain significance (3); Benign (1). Last evaluated 2024-08-22.

Conditions:
Amyotrophic lateral sclerosis type 4 (ALS4). Also called: AMYOTROPHIC LATERAL SCLEROSIS 4, JUVENILE; NEURONOPATHY, DISTAL HEREDITARY MOTOR, WITH PYRAMIDAL FEATURES. Identifiers: Orphanet 357043, MedGen C1865409, MONDO:0011223, OMIM 602433.
Spinocerebellar ataxia, autosomal recessive, with axonal neuropathy 2 (SCAN2). Also called: Ataxia with Oculomotor Apraxia Type 2; ATAXIA-OCULOMOTOR APRAXIA 2; Ataxia with Oculomotor Apraxia; Ataxia-ocular apraxia-2. Identifiers: Orphanet 64753, MedGen C1853761, MONDO:0018996, OMIM 606002.
Inborn genetic diseases. Identifiers: MedGen C0950123, MeSH D030342.

Allele frequency attached by ClinVar (database versions not stated): ExAC 0.00002; TOPMed 0.00006; gnomAD 0.00007 and 0.00008.

Submissions (4):

Blueprint Genetics
Classification: Uncertain significance. Last evaluated: 2024-08-22. Review status: criteria provided, single submitter. Criteria: ACMG Guidelines, 2015. Collection method: clinical testing. Allele origin: germline.

Labcorp Genetics (formerly Invitae), Labcorp
Classification: Benign for Amyotrophic lateral sclerosis type 4; Spinocerebellar ataxia, autosomal recessive, with axonal neuropathy 2. Last evaluated: 2023-07-22. Review status: criteria provided, single submitter. Criteria: Invitae Variant Classification Sherloc (09022015). Collection method: clinical testing. Allele origin: germline.

Ambry Genetics
Classification: Uncertain significance for Inborn genetic diseases. Last evaluated: 2020-11-20. Review status: criteria provided, single submitter. Criteria: Ambry Variant Classification Scheme 2023. Collection method: clinical testing. Allele origin: germline.
Comment: The p.M1948V variant (also known as c.5842A>G), located in coding exon 12 of the SETX gene, results from an A to G substitution at nucleotide position 5842. The methionine at codon 1948 is replaced by valine, an amino acid with highly similar properties. This amino acid position is highly conserved in available vertebrate species. This alteration has been reported in a heterozygous state in two individuals with amyotrophic lateral sclerosis (ALS) (Kenna KP et al. J Med Genet, 2013 Nov;50:776-83; Andreini I et al. Amyotroph Lateral Scler Frontotemporal Degene, 2020 05;21:312-313). In addition, the in silico prediction for this alteration is inconclusive. Based on the supporting evidence, this variant is unlikely to be causative of SETX-related ALS; however, its contribution to the development of SETX-related ataxia is uncertain.

CeGaT Center for Human Genetics Tuebingen
Classification: Uncertain significance. Last evaluated: 2020-03-01. Review status: criteria provided, single submitter. Criteria: CeGaT Center For Human Genetics Tuebingen Variant Classification Criteria Version 2. Collection method: clinical testing. Allele origin: germline. Affected: yes. Observed: 1 variant allele.

Literature cited by the submitters: PubMed 23881933 (cited by Ambry Genetics); PubMed 32186211 (cited by Ambry Genetics).